The following is an entry in ClinVar:

NM_183235.3(RAB27A):c.-142-5A>G

Gene: RAB27A (RAB27A, member RAS oncogene family; minus strand). Cytogenetic location: 15q21.3.
Variant type: single nucleotide variant.
Coding change: c.-142-5A>G on transcript NM_183235.3 (MANE Select); 5 bases into the intron before 142 bases upstream of the start codon, A replaced by G.
Molecular consequence: intron variant. On other transcripts: 5 prime UTR variant (1).
Genome position (GRCh38, 1-based): chr15:55,270,289, T>C on the plus strand (A>G on the coding strand, the complement: RAB27A is on the minus strand). VCF-style: chr15-55270289-T-C. GRCh37 (hg19) VCF-style: chr15-55562487-T-C.
Other names: c.-147A>G (NM_004580.5); c.-142-5A>G (NM_183236.3).
Identifiers: ClinVar variation 316652 (VCV000316652.5), dbSNP rs61436564, ClinGen allele CA10647190.

ClinVar aggregate classification (germline): Benign (1 of 4 stars; one submission).

Conditions:
Griscelli syndrome type 2 (GS2). Also called: GRISCELLI SYNDROME WITH HEMOPHAGOCYTIC SYNDROME; PAID SYNDROME; PARTIAL ALBINISM AND IMMUNODEFICIENCY SYNDROME. Identifiers: Orphanet 381, Orphanet 79477, MedGen C1868679, MONDO:0011872, OMIM 607624.

Allele frequency attached by ClinVar (database versions not stated): gnomAD 0.01558 and 0.01642; TOPMed 0.01804; 1000 Genomes Project 0.01957; 1000 Genomes Project 30x 0.02171.

Submission:

Illumina Laboratory Services, Illumina
Classification: Benign for Griscelli syndrome type 2. Last evaluated: 2018-01-12. Review status: criteria provided, single submitter. Criteria: ICSL Variant Classification Criteria 13 December 2019. Collection method: clinical testing. Allele origin: germline.
Comment: This variant was observed in the ICSL laboratory as part of a predisposition screen in an ostensibly healthy population. It had not been previously curated by ICSL or reported in the Human Gene Mutation Database (HGMD: prior to June 1st, 2018), and was therefore a candidate for classification through an automated scoring system. Utilizing variant allele frequency, disease prevalence and penetrance estimates, and inheritance mode, an automated score was calculated to assess if this variant is too frequent to cause the disease. Based on the score and internal cut-off values, a variant classified as benign is not then subjected to further curation. The score for this variant resulted in a classification of benign for this disease.